The following is an entry in ClinVar:

ClinVar aggregate classification (germline): Uncertain significance (1 of 4 stars; one submission).

Allele frequency attached by ClinVar (database versions not stated): gnomAD exomes below 0.00001.
gnomAD v4.1: 3 of 1,613,914 alleles (0.00019%); highest among the groups gnomAD compares: East Asian, 0.0022%; no homozygotes.

Submission:

GeneDx
Classification: Uncertain significance. Last evaluated: 2022-08-01. Review status: criteria provided, single submitter. Criteria: GeneDx Variant Classification Process June 2021. Collection method: clinical testing. Allele origin: germline. Affected: yes.
Comment: In silico analysis supports a deleterious effect on splicing; Has not been previously published as pathogenic or benign to our knowledge

NM_007118.4(TRIO):c.8612+5G>A

Gene: TRIO (trio Rho guanine nucleotide exchange factor; plus strand). Cytogenetic location: 5p15.2.
Variant type: single nucleotide variant.
Coding change: c.8612+5G>A on transcript NM_007118.4 (MANE Select); 5 bases into the intron after coding-DNA position 8612, G replaced by A.
Molecular consequence: intron variant.
Genome position (GRCh38, 1-based): chr5:14,504,598, G>A. VCF-style: chr5-14504598-G-A. GRCh37 (hg19) VCF-style: chr5-14504707-G-A.
Identifiers: ClinVar variation 1700458 (VCV001700458.2), dbSNP rs1561572202, ClinGen allele CA1528780316.